The following is an entry in ClinVar:

NM_000235.4(LIPA):c.894+187T>C

Gene: LIPA (lipase A, lysosomal acid type; minus strand). Cytogenetic location: 10q23.31.
Variant type: single nucleotide variant.
Coding change: c.894+187T>C on transcript NM_000235.4 (MANE Select); 187 bases into the intron after coding-DNA position 894, T replaced by C.
Molecular consequence: intron variant.
Genome position (GRCh38, 1-based): chr10:89,222,324, A>G on the plus strand (T>C on the coding strand, the complement: LIPA is on the minus strand). VCF-style: chr10-89222324-A-G. GRCh37 (hg19) VCF-style: chr10-90982081-A-G.
Other names: c.546+187T>C (NM_001288979.2); c.894+187T>C (NM_001127605.3).
Identifiers: ClinVar variation 672000 (VCV000672000.2), dbSNP rs6586175, ClinGen allele CA13198451.

ClinVar aggregate classification (germline): Benign. Review status: criteria provided, multiple submitters, no conflicts (2 of 4 stars). 2 submissions from 2 submitters: Benign (2). Last evaluated 2018-06-19.

Allele frequency attached by ClinVar (database versions not stated): gnomAD 0.34851 and 0.35834; TOPMed 0.37114; 1000 Genomes Project 30x 0.48485; 1000 Genomes Project 0.49461.
gnomAD v4.1: 54,438 of 152,108 alleles (36%); highest among the groups gnomAD compares: East Asian, 83%; 11,019 homozygotes.

Submissions (2):

GeneDx
Classification: Benign. Last evaluated: 2018-06-19. Review status: criteria provided, single submitter. Criteria: GeneDx Variant Classification (06012015). Collection method: clinical testing. Allele origin: germline. Affected: yes.
Comment: This variant is considered likely benign or benign based on one or more of the following criteria: it is a conservative change, it occurs at a poorly conserved position in the protein, it is predicted to be benign by multiple in silico algorithms, and/or has population frequency not consistent with disease.

Breakthrough Genomics
Classification: Benign. Review status: criteria provided, single submitter. Criteria: ACMG Guidelines, 2015. Collection method: not provided. Allele origin: germline. Inheritance: Autosomal recessive inheritance. Affected: yes.